The following is an entry in ClinVar:

ClinVar aggregate classification (germline): Uncertain significance (1 of 4 stars; one submission).

Conditions:
Dilated cardiomyopathy 1KK (CMD1KK). Identifiers: Orphanet 154, Orphanet 75249, MedGen C3714995, MONDO:0014100, OMIM 615248.

Submission:

Labcorp Genetics (formerly Invitae), Labcorp
Classification: Uncertain significance for Dilated cardiomyopathy 1KK. Last evaluated: 2024-04-06. Review status: criteria provided, single submitter. Criteria: Invitae Variant Classification Sherloc (09022015). Collection method: clinical testing. Allele origin: germline.
Comment: This sequence change replaces arginine, which is basic and polar, with serine, which is neutral and polar, at codon 911 of the MYPN protein (p.Arg911Ser). This variant is not present in population databases (gnomAD no frequency). This variant has not been reported in the literature in individuals affected with MYPN-related conditions. An algorithm developed to predict the effect of missense changes on protein structure and function (PolyPhen-2) suggests that this variant is likely to be disruptive. In summary, the available evidence is currently insufficient to determine the role of this variant in disease. Therefore, it has been classified as a Variant of Uncertain Significance.

NM_032578.4(MYPN):c.2733G>C (p.Arg911Ser)

Gene: MYPN (myopalladin; plus strand). Cytogenetic location: 10q21.3.
Variant type: single nucleotide variant.
Coding change: c.2733G>C on transcript NM_032578.4 (MANE Select); coding-DNA position 2733, G replaced by C.
Protein change: p.Arg911Ser; replaces arginine 911 with serine.
Molecular consequence: missense variant. On other transcripts: non-coding transcript variant (2).
Genome position (GRCh38, 1-based): chr10:68,188,934, G>C. VCF-style: chr10-68188934-G-C. GRCh37 (hg19) VCF-style: chr10-69948691-G-C.
Other names: c.2733G>C, p.Arg911Ser (NM_001256267.2); c.1851G>C, p.Arg617Ser (NM_001256268.2); short protein forms R911S, R617S.
Identifiers: ClinVar variation 3647429 (VCV003647429.2).